The following is an entry in ClinVar:

ClinVar aggregate classification (germline): Uncertain significance (1 of 4 stars; one submission).

Allele frequency attached by ClinVar (database versions not stated): TOPMed below 0.00001; gnomAD 0.00001.
gnomAD v4.1: 1 of 1,597,668 alleles (0.000063%); highest among the groups gnomAD compares: African/African-American, 0.0013%; no homozygotes.

Submission:

Labcorp Genetics (formerly Invitae), Labcorp
Classification: Uncertain significance. Last evaluated: 2023-07-17. Review status: criteria provided, single submitter. Criteria: Invitae Variant Classification Sherloc (09022015). Collection method: clinical testing. Allele origin: germline.
Comment: This sequence change replaces glycine, which is neutral and non-polar, with alanine, which is neutral and non-polar, at codon 712 of the SZT2 protein (p.Gly712Ala). In summary, the available evidence is currently insufficient to determine the role of this variant in disease. Therefore, it has been classified as a Variant of Uncertain Significance. Advanced modeling of protein sequence and biophysical properties (such as structural, functional, and spatial information, amino acid conservation, physicochemical variation, residue mobility, and thermodynamic stability) performed at Invitae indicates that this missense variant is not expected to disrupt SZT2 protein function. ClinVar contains an entry for this variant (Variation ID: 1498940). This variant has not been reported in the literature in individuals affected with SZT2-related conditions. This variant is not present in population databases (gnomAD no frequency).

NM_001365999.1(SZT2):c.2135G>C (p.Gly712Ala)

Gene: SZT2 (SZT2 subunit of KICSTOR complex; plus strand). Cytogenetic location: 1p34.2.
Variant type: single nucleotide variant.
Coding change: c.2135G>C on transcript NM_001365999.1 (MANE Select); coding-DNA position 2135, G replaced by C.
Protein change: p.Gly712Ala; replaces glycine 712 with alanine.
Molecular consequence: missense variant.
Genome position (GRCh38, 1-based): chr1:43,423,196, G>C. VCF-style: chr1-43423196-G-C. GRCh37 (hg19) VCF-style: chr1-43888867-G-C.
Other names: c.2135G>C, p.Gly712Ala (NM_015284.4); short protein forms G712A.
Identifiers: ClinVar variation 1498940 (VCV001498940.6), dbSNP rs1219555045, ClinGen allele CA340011175.